The following is an entry in ClinVar:

ClinVar aggregate classification (germline): Pathogenic (1 of 4 stars; one submission).

Submission:

Labcorp Genetics (formerly Invitae), Labcorp
Classification: Pathogenic. Last evaluated: 2021-07-17. Review status: criteria provided, single submitter. Criteria: Invitae Variant Classification Sherloc (09022015). Collection method: clinical testing. Allele origin: germline.
Comment: For these reasons, this variant has been classified as Pathogenic. This variant has not been reported in the literature in individuals affected with ABHD12-related conditions. This variant is not present in population databases (ExAC no frequency). This sequence change creates a premature translational stop signal (p.Trp141*) in the ABHD12 gene. It is expected to result in an absent or disrupted protein product. Loss-of-function variants in ABHD12 are known to be pathogenic (PMID: 20797687).

Literature cited by the submitters: PubMed 20797687.

NM_001042472.3(ABHD12):c.423G>A (p.Trp141Ter)

Gene: ABHD12 (abhydrolase domain containing 12, lysophospholipase; minus strand). Cytogenetic location: 20p11.21.
Variant type: single nucleotide variant.
Coding change: c.423G>A on transcript NM_001042472.3 (MANE Select); coding-DNA position 423, G replaced by A.
Protein change: p.Trp141Ter; replaces tryptophan 141 with a stop codon.
Molecular consequence: nonsense.
Genome position (GRCh38, 1-based): chr20:25,320,318, C>T on the plus strand (G>A on the coding strand, the complement: ABHD12 is on the minus strand). VCF-style: chr20-25320318-C-T. GRCh37 (hg19) VCF-style: chr20-25300954-C-T.
Other names: c.423G>A, p.Trp141Ter (NM_015600.5); short protein forms W141*.
Identifiers: ClinVar variation 1457527 (VCV001457527.6), dbSNP rs2145970965, ClinGen allele CA408457550.
Genomic context (GRCh38, chr20:25,320,318, plus strand): 5'-CTCATACCACATCTGGTCTTTGCCTTGGGCGTTCTTCCACCAGACTGCAGGGACGGTGTG[C>T]CTGCAGACAGAAGCAGAGGGGAGCGCAGGATCAGATGTCCCTTCTGTCCTCATCCTGGCG-3'